The following is an entry in ClinVar:

ClinVar aggregate classification (germline): Uncertain significance (1 of 4 stars; one submission).

Conditions:
Neutropenia, severe congenital, 1, autosomal dominant. Identifiers: MedGen C1859966, MONDO:0042490, OMIM 202700.
Cyclical neutropenia. Also called: Cyclic hematopoiesis; Cyclic Neutropenia. Identifiers: Orphanet 2686, MedGen C0221023, MONDO:0008090, OMIM 162800, HP:0040289. Disease mechanism: loss of function.

Submission:

Labcorp Genetics (formerly Invitae), Labcorp
Classification: Uncertain significance for Neutropenia, severe congenital, 1, autosomal dominant; Cyclical neutropenia. Last evaluated: 2024-01-04. Review status: criteria provided, single submitter. Criteria: Invitae Variant Classification Sherloc (09022015). Collection method: clinical testing. Allele origin: germline.
Comment: This sequence change results in a frameshift in the ELANE gene (p.Val190Argfs*100). While this is not anticipated to result in nonsense mediated decay, it is expected to disrupt the last 78 amino acid(s) of the ELANE protein and extend the protein by 21 additional amino acid residues. This variant is not present in population databases (gnomAD no frequency). This variant has not been reported in the literature in individuals affected with ELANE-related conditions. Experimental studies and prediction algorithms are not available or were not evaluated, and the functional significance of this variant is currently unknown. In summary, the available evidence is currently insufficient to determine the role of this variant in disease. Therefore, it has been classified as a Variant of Uncertain Significance.

NM_001972.4(ELANE):c.566dup (p.Val190fs)

Gene: ELANE (elastase, neutrophil expressed; plus strand). Cytogenetic location: 19p13.3.
Variant type: Duplication.
Coding change: c.566dup on transcript NM_001972.4 (MANE Select); coding-DNA position 566, one base duplicated (T; older notation c.566dupT).
Protein change: p.Val190fs; shifts the reading frame from valine 190.
Molecular consequence: frameshift variant.
Genome position (GRCh38, 1-based): chr19:855,763, T duplicated. VCF-style (leftmost placement, unchanged base first): chr19-855762-C-CT. GRCh37 (hg19) VCF-style: chr19-855762-C-CT.
Other names: short protein forms V190fs.
Identifiers: ClinVar variation 2921938 (VCV002921938.3), dbSNP rs2512168637, ClinGen allele CA2740091833.